The following is an entry in ClinVar:

NM_017999.5(RNF31):c.431A>C (p.His144Pro)

Gene: RNF31 (ring finger protein 31; plus strand). Cytogenetic location: 14q12.
Variant type: single nucleotide variant.
Coding change: c.431A>C on transcript NM_017999.5 (MANE Select); coding-DNA position 431, A replaced by C.
Protein change: p.His144Pro; replaces histidine 144 with proline.
Molecular consequence: missense variant. On other transcripts: 5 prime UTR variant (1).
Genome position (GRCh38, 1-based): chr14:24,148,349, A>C. VCF-style: chr14-24148349-A-C. GRCh37 (hg19) VCF-style: chr14-24617558-A-C.
Other names: c.-87A>C (NM_001310332.2); short protein forms H144P.
Identifiers: ClinVar variation 1120437 (VCV001120437.31), dbSNP rs201013476, ClinGen allele CA7125455.

ClinVar aggregate classification (germline): Likely benign. Review status: criteria provided, multiple submitters, no conflicts (2 of 4 stars). 2 submissions from 2 submitters: Likely benign (2). Last evaluated 2026-01-11.

Allele frequency attached by ClinVar (database versions not stated): gnomAD 0.00005; ESP Exome Variant Server 0.00008; gnomAD exomes 0.00009 and 0.00018; TOPMed 0.00009; ExAC 0.00015.
gnomAD v4.1: 146 of 1,614,062 alleles (0.009%); highest among the groups gnomAD compares: Admixed American, 0.005%; 1 homozygote.

Submissions (2):

Labcorp Genetics (formerly Invitae), Labcorp
Classification: Likely benign. Last evaluated: 2026-01-11. Review status: criteria provided, single submitter. Criteria: Invitae Variant Classification Sherloc (09022015). Collection method: clinical testing. Allele origin: germline.

CeGaT Center for Human Genetics Tuebingen
Classification: Likely benign. Last evaluated: 2024-01-01. Review status: criteria provided, single submitter. Criteria: CeGaT Center For Human Genetics Tuebingen Variant Classification Criteria Version 2. Collection method: clinical testing. Allele origin: germline. Affected: yes. Observed: 1 variant allele.
Comment: RNF31: BP4